The following is an entry in ClinVar:

NM_000222.3(KIT):c.1326T>A (p.Phe442Leu)

Gene: KIT (KIT proto-oncogene, receptor tyrosine kinase; plus strand). Cytogenetic location: 4q12.
Variant type: single nucleotide variant.
Coding change: c.1326T>A on transcript NM_000222.3 (MANE Select); coding-DNA position 1326, T replaced by A.
Protein change: p.Phe442Leu; replaces phenylalanine 442 with leucine.
Molecular consequence: missense variant.
Genome position (GRCh38, 1-based): chr4:54,723,678, T>A. VCF-style: chr4-54723678-T-A. GRCh37 (hg19) VCF-style: chr4-55589844-T-A.
Other names: c.1326T>A, p.Phe442Leu (NM_001093772.2, NM_001385285.1, NM_001385286.1); c.1329T>A, p.Phe443Leu (NM_001385284.1, NM_001385288.1, NM_001385290.1 and 1 more transcripts); short protein forms F442L, F443L.
Identifiers: ClinVar variation 528624 (VCV000528624.9), dbSNP rs1553891024, ClinGen allele CA356905742.

ClinVar aggregate classification (germline): Uncertain significance (1 of 4 stars; one submission).

Conditions:
Gastrointestinal stromal tumor. Also called: Gastrointestinal stroma tumor; Gastrointestinal stromal tumor, somatic. Identifiers: Orphanet 44890, MedGen C0238198, MeSH D046152, MONDO:0011719, OMIM 606764, HP:0100723.

Submission:

Labcorp Genetics (formerly Invitae), Labcorp
Classification: Uncertain significance for Gastrointestinal stromal tumor. Last evaluated: 2017-12-04. Review status: criteria provided, single submitter. Criteria: Invitae Variant Classification Sherloc (09022015). Collection method: clinical testing. Allele origin: germline.
Comment: In summary, the available evidence is currently insufficient to determine the role of this variant in disease. Therefore, it has been classified as a Variant of Uncertain Significance. Algorithms developed to predict the effect of missense changes on protein structure and function do not agree on the potential impact of this missense change (SIFT: "Deleterious"; PolyPhen-2: "Benign"; Align-GVGD: "Class C0"). This variant has not been reported in the literature in individuals with KIT-related disease. This variant is not present in population databases (ExAC no frequency). This sequence change replaces phenylalanine with leucine at codon 442 of the KIT protein (p.Phe442Leu). The phenylalanine residue is highly conserved and there is a small physicochemical difference between phenylalanine and leucine.